The following is an entry in ClinVar:

NM_001267550.2(TTN):c.31347A>G (p.Lys10449=)

Gene: TTN (titin; minus strand). Cytogenetic location: 2q31.2.
Variant type: single nucleotide variant.
Coding change: c.31347A>G on transcript NM_001267550.2 (MANE Select); coding-DNA position 31347, A replaced by G.
Protein change: p.Lys10449=; no amino-acid change (lysine 10449 retained).
Molecular consequence: synonymous variant. On other transcripts: intron variant (3).
Genome position (GRCh38, 1-based): chr2:178,694,830, T>C on the plus strand (A>G on the coding strand, the complement: TTN is on the minus strand). VCF-style: chr2-178694830-T-C. GRCh37 (hg19) VCF-style: chr2-179559557-T-C.
Other names: c.30396A>G, p.Lys10132= (NM_001256850.1); c.27615A>G, p.Lys9205= (NM_133378.4); c.13282+43252A>G (NM_003319.4); c.13858+43252A>G (NM_133437.4); c.13657+43252A>G (NM_133432.3).
Identifiers: ClinVar variation 3365889 (VCV003365889.1).

ClinVar aggregate classification (germline): Uncertain significance (1 of 4 stars; one submission).

gnomAD v4.1: 5 of 1,556,300 alleles (0.00032%); highest among the groups gnomAD compares: Non-Finnish European, 0.00044%; no homozygotes.

Submission:

GeneDx
Classification: Uncertain significance. Last evaluated: 2023-12-28. Review status: criteria provided, single submitter. Criteria: GeneDx Variant Classification Process June 2021. Collection method: clinical testing. Allele origin: germline. Affected: yes.
Comment: Not observed at significant frequency in large population cohorts (gnomAD); In silico analysis supports a deleterious effect on splicing; Has not been previously published as pathogenic or benign to our knowledge; Located in a region of TTN within the I-band in which the majority of loss of function variants are significantly associated with autosomal dominant titinopathies (PMID: 27625338, 27869827)